The following is an entry in ClinVar:

ClinVar aggregate classification (germline): Uncertain significance. Review status: criteria provided, multiple submitters, no conflicts (2 of 4 stars). 2 submissions from 2 submitters: Uncertain significance (2). Last evaluated 2023-05-15.

Allele frequency attached by ClinVar (database versions not stated): gnomAD 0.00001; TOPMed 0.00001.
gnomAD v4.1: 51 of 1,613,434 alleles (0.0032%); highest among the groups gnomAD compares: South Asian, 0.021%; no homozygotes.

Submissions (2):

Labcorp Genetics (formerly Invitae), Labcorp
Classification: Uncertain significance. Last evaluated: 2023-05-15. Review status: criteria provided, single submitter. Criteria: Invitae Variant Classification Sherloc (09022015). Collection method: clinical testing. Allele origin: germline.
Comment: In summary, the available evidence is currently insufficient to determine the role of this variant in disease. Therefore, it has been classified as a Variant of Uncertain Significance. Variants that disrupt the consensus splice site are a relatively common cause of aberrant splicing (PMID: 17576681, 9536098). An algorithm developed to predict the effect of missense changes on protein structure and function (PolyPhen-2) suggests that this variant is likely to be tolerated. ClinVar contains an entry for this variant (Variation ID: 940520). This variant has not been reported in the literature in individuals affected with TTLL5-related conditions. This variant is present in population databases (rs147593414, gnomAD 0.02%). This sequence change replaces alanine, which is neutral and non-polar, with threonine, which is neutral and polar, at codon 312 of the TTLL5 protein (p.Ala312Thr). This variant also falls at the last nucleotide of exon 11, which is part of the consensus splice site for this exon.

Blueprint Genetics
Classification: Uncertain significance. Last evaluated: 2022-09-26. Review status: criteria provided, single submitter. Criteria: ACMG Guidelines, 2015. Collection method: clinical testing. Allele origin: germline.

Literature cited by the submitters: PubMed 17576681 (cited by Labcorp Genetics (formerly Invitae), Labcorp); PubMed 9536098 (cited by Labcorp Genetics (formerly Invitae), Labcorp).

NM_015072.5(TTLL5):c.934G>A (p.Ala312Thr)

Gene: TTLL5 (tubulin tyrosine ligase like 5; plus strand). Cytogenetic location: 14q24.3.
Variant type: single nucleotide variant.
Coding change: c.934G>A on transcript NM_015072.5 (MANE Select); coding-DNA position 934, G replaced by A.
Protein change: p.Ala312Thr; replaces alanine 312 with threonine.
Molecular consequence: missense variant.
Genome position (GRCh38, 1-based): chr14:75,719,826, G>A. VCF-style: chr14-75719826-G-A. GRCh37 (hg19) VCF-style: chr14-76186169-G-A.
Other names: short protein forms A312T.
Identifiers: ClinVar variation 940520 (VCV000940520.8), dbSNP rs147593414, ClinGen allele CA7279152.